The following is an entry in ClinVar:

NM_000452.3(SLC10A2):c.1047G>C (p.Ter349Tyr)

Gene: SLC10A2 (solute carrier family 10 member 2; minus strand). Cytogenetic location: 13q33.1.
Variant type: single nucleotide variant.
Coding change: c.1047G>C on transcript NM_000452.3 (MANE Select); coding-DNA position 1047, G replaced by C.
Protein change: p.Ter349Tyr.
Molecular consequence: stop lost.
Genome position (GRCh38, 1-based): chr13:103,046,133, C>G on the plus strand (G>C on the coding strand, the complement: SLC10A2 is on the minus strand). VCF-style: chr13-103046133-C-G. GRCh37 (hg19) VCF-style: chr13-103698483-C-G.
Identifiers: ClinVar variation 3676390 (VCV003676390.2).
Genomic context (GRCh38, chr13:103,046,133, plus strand): 5'-TAAATATAGTTACGGTTTAAGAACGTAATTTGGAACTCGTCTGTTTTGTCCACTTGATGT[C>G]TACTTTTCGTCAGGTTGAAATCCTCCATTTGCCTTATAAAACGATGACTCTGGCTCCGTT-3'

ClinVar aggregate classification (germline): Uncertain significance (1 of 4 stars; one submission).

gnomAD v4.1: 10 of 1,613,784 alleles (0.00062%); highest among the groups gnomAD compares: South Asian, 0.0022%; no homozygotes.

Submission:

Labcorp Genetics (formerly Invitae), Labcorp
Classification: Uncertain significance. Last evaluated: 2024-10-29. Review status: criteria provided, single submitter. Criteria: Invitae Variant Classification Sherloc (09022015). Collection method: clinical testing. Allele origin: germline.
Comment: This sequence change disrupts the translational stop signal of the SLC10A2 mRNA. It is expected to extend the length of the SLC10A2 protein by 17 additional amino acid residues. This variant is present in population databases (rs772783276, gnomAD 0.003%). This variant has not been reported in the literature in individuals affected with SLC10A2-related conditions. Experimental studies and prediction algorithms are not available or were not evaluated, and the functional significance of this variant is currently unknown. In summary, the available evidence is currently insufficient to determine the role of this variant in disease. Therefore, it has been classified as a Variant of Uncertain Significance.